The following is an entry in ClinVar:

ClinVar aggregate classification (germline): Uncertain significance (1 of 4 stars; one submission).

gnomAD v4.1: 2 of 1,614,166 alleles (0.00012%); highest among the groups gnomAD compares: Admixed American, 0.0033%; no homozygotes.

Submission:

Labcorp Genetics (formerly Invitae), Labcorp
Classification: Uncertain significance. Last evaluated: 2025-06-02. Review status: criteria provided, single submitter. Criteria: Invitae Variant Classification Sherloc (09022015). Collection method: clinical testing. Allele origin: germline.
Comment: This sequence change replaces isoleucine, which is neutral and non-polar, with leucine, which is neutral and non-polar, at codon 1780 of the CCDC88A protein (p.Ile1780Leu). This variant is present in population databases (no rsID available, gnomAD 0.006%). This variant has not been reported in the literature in individuals affected with CCDC88A-related conditions. ClinVar contains an entry for this variant (Variation ID: 1917349). An algorithm developed to predict the effect of missense changes on protein structure and function outputs the following: PolyPhen-2: "Benign". The leucine amino acid residue is found in multiple mammalian species, which suggests that this missense change does not adversely affect protein function. In summary, the available evidence is currently insufficient to determine the role of this variant in disease. Therefore, it has been classified as a Variant of Uncertain Significance.

NM_001365480.1(CCDC88A):c.5341A>T (p.Ile1781Leu)

Gene: CCDC88A (coiled-coil and HOOK domain protein 88A; minus strand). Cytogenetic location: 2p16.1.
Variant type: single nucleotide variant.
Coding change: c.5341A>T on transcript NM_001365480.1 (MANE Select); coding-DNA position 5341, A replaced by T.
Protein change: p.Ile1781Leu; replaces isoleucine 1781 with leucine.
Molecular consequence: missense variant. On other transcripts: intron variant (1).
Genome position (GRCh38, 1-based): chr2:55,295,807, T>A on the plus strand (A>T on the coding strand, the complement: CCDC88A is on the minus strand). VCF-style: chr2-55295807-T-A. GRCh37 (hg19) VCF-style: chr2-55522943-T-A.
Other names: c.5338A>T, p.Ile1780Leu (NM_001135597.2); c.5257A>T, p.Ile1753Leu (NM_018084.5); c.5196-80A>T (NM_001254943.2); short protein forms I1781L, I1753L, I1780L.
Identifiers: ClinVar variation 1917349 (VCV001917349.5), dbSNP rs1188719613, ClinGen allele CA346911695.